The following is an entry in ClinVar:

NM_001382567.1(STIM1):c.1651G>A (p.Asp551Asn)

Gene: STIM1 (stromal interaction molecule 1; plus strand). Cytogenetic location: 11p15.4.
Variant type: single nucleotide variant.
Coding change: c.1651G>A on transcript NM_001382567.1 (MANE Select); coding-DNA position 1651, G replaced by A.
Protein change: p.Asp551Asn; replaces aspartic acid 551 with asparagine.
Molecular consequence: missense variant. On other transcripts: non-coding transcript variant (3).
Genome position (GRCh38, 1-based): chr11:4,091,298, G>A. VCF-style: chr11-4091298-G-A. GRCh37 (hg19) VCF-style: chr11-4112528-G-A.
Other names: c.1579G>A, p.Asp527Asn (NM_001382568.1); c.1423G>A, p.Asp475Asn (NM_001382569.1); c.1330G>A, p.Asp444Asn (NM_001382570.1); c.1078G>A, p.Asp360Asn (NM_001382571.1); c.1336G>A, p.Asp446Asn (NM_001382575.1, NM_001382576.1, NM_001382577.1); c.1373G>A, p.Arg458Gln (NM_001382578.1, NM_001382579.1); c.1876G>A, p.Asp626Asn (NM_001277961.3); c.1595G>A, p.Arg532Gln (NM_001277962.2); and 4 more; short protein forms D626N, D520N, R532Q, D357N, D360N, D444N, D446N, D475N.
Identifiers: ClinVar variation 648477 (VCV000648477.10), dbSNP rs199914458, ClinGen allele CA5830583.
Genomic context (GRCh38, chr11:4,091,298, plus strand): 5'-TCCAATATATGTCCCTTTCTTCCTCTCTGCCCCATGTCTTGCAGGGATTTGACCCATTCC[G>A]ATTCGGAGTCCTCCCTCCACATGAGTGACCGCCAGCGTGTGGCCCCCAAACCTCCTCAGA-3'
Protein context (NP_001369496.1, residues 541-561): LGSQRDLTHS[Asp551Asn]SESSLHMSDR

ClinVar aggregate classification (germline): Uncertain significance. Review status: criteria provided, multiple submitters, no conflicts (2 of 4 stars). 3 submissions from 3 submitters: Uncertain significance (3). Last evaluated 2026-05-14.

Conditions:
Combined immunodeficiency due to STIM1 deficiency. Also called: STIM1 DEFICIENCY; IMMUNODEFICIENCY 10. Identifiers: Orphanet 169090, Orphanet 317430, MedGen C2748557, MONDO:0013008, OMIM 612783.
Myopathy with tubular aggregates (TAM). Also called: Tubular Aggregate Myopathy. Identifiers: Orphanet 2593, MedGen C0410207, MONDO:0008051.
Stormorken syndrome (STRMK). Also called: THROMBOCYTOPATHY, ASPLENIA, AND MIOSIS. Identifiers: Orphanet 3204, MedGen C1861451, MONDO:0008497, OMIM 185070.
Myopathy, tubular aggregate, 1 (TAM1). Identifiers: MedGen C4011726, MONDO:0024531, OMIM 160565.
Inborn genetic diseases. Identifiers: MedGen C0950123, MeSH D030342.

Allele frequency attached by ClinVar (database versions not stated): gnomAD 0.00001 and 0.00002; ExAC 0.00005; gnomAD exomes 0.00005; TOPMed 0.00006.
gnomAD v4.1: 62 of 1,613,910 alleles (0.0038%); highest among the groups gnomAD compares: Middle Eastern, 0.016%; no homozygotes.

Submissions (3):

Division of Clinical Immunology and Allergy, Necmettin Erbakan University, Faculty of Medicine
Classification: Uncertain significance for Combined immunodeficiency due to STIM1 deficiency; Myopathy, tubular aggregate, 1; Stormorken syndrome. Last evaluated: 2026-05-14. Review status: criteria provided, single submitter. Criteria: ACMG Guidelines, 2015. Collection method: clinical testing. Allele origin: germline. Affected: no. Observed: 1 variant allele.

Labcorp Genetics (formerly Invitae), Labcorp
Classification: Uncertain significance for Myopathy with tubular aggregates; Combined immunodeficiency due to STIM1 deficiency; Stormorken syndrome. Last evaluated: 2026-01-24. Review status: criteria provided, single submitter. Criteria: Invitae Variant Classification Sherloc (09022015). Collection method: clinical testing. Allele origin: germline.
Comment: This sequence change replaces aspartic acid, which is acidic and polar, with asparagine, which is neutral and polar, at codon 520 of the STIM1 protein (p.Asp520Asn). This variant is present in population databases (rs199914458, gnomAD 0.01%). This variant has not been reported in the literature in individuals affected with STIM1-related conditions. ClinVar contains an entry for this variant (Variation ID: 648477). Invitae Evidence Modeling of protein sequence and biophysical properties (such as structural, functional, and spatial information, amino acid conservation, physicochemical variation, residue mobility, and thermodynamic stability) has been performed for this missense variant. However, the output from this modeling did not meet the statistical confidence thresholds required to predict the impact of this variant on STIM1 protein function. In summary, the available evidence is currently insufficient to determine the role of this variant in disease. Therefore, it has been classified as a Variant of Uncertain Significance.

Ambry Genetics
Classification: Uncertain significance for Inborn genetic diseases. Last evaluated: 2024-06-07. Review status: criteria provided, single submitter. Criteria: Ambry Variant Classification Scheme 2023. Collection method: clinical testing. Allele origin: germline.